The following is an entry in ClinVar:

NM_001572.5(IRF7):c.875C>G (p.Thr292Ser)

Gene: IRF7 (interferon regulatory factor 7; minus strand). Cytogenetic location: 11p15.5.
Variant type: single nucleotide variant.
Coding change: c.875C>G on transcript NM_001572.5 (MANE Select); coding-DNA position 875, C replaced by G.
Protein change: p.Thr292Ser; replaces threonine 292 with serine.
Molecular consequence: missense variant.
Genome position (GRCh38, 1-based): chr11:613,568, G>C on the plus strand (C>G on the coding strand, the complement: IRF7 is on the minus strand). VCF-style: chr11-613568-G-C. GRCh37 (hg19) VCF-style: chr11-613568-G-C.
Other names: c.911C>G, p.Thr304Ser (NM_001440440.1); c.872C>G, p.Thr291Ser (NM_001440442.1); c.827C>G, p.Thr276Ser (NM_001440444.1); c.785C>G, p.Thr262Ser (NM_001440445.1); c.503C>G, p.Thr168Ser (NM_001440446.1); c.788C>G, p.Thr263Ser (NM_004029.4); c.914C>G, p.Thr305Ser (NM_004031.4); short protein forms T168S, T292S, T304S, T305S, T262S, T291S, T263S, T276S.
Identifiers: ClinVar variation 4740141 (VCV004740141.1).

ClinVar aggregate classification (germline): Uncertain significance (1 of 4 stars; one submission).

Conditions:
Immunodeficiency 39 (IMD39). Identifiers: Orphanet 574918, MedGen C4225358, MONDO:0014597, OMIM 616345.

Submission:

Labcorp Genetics (formerly Invitae), Labcorp
Classification: Uncertain significance for Immunodeficiency 39. Last evaluated: 2025-03-28. Review status: criteria provided, single submitter. Criteria: Invitae Variant Classification Sherloc (09022015). Collection method: clinical testing. Allele origin: germline.
Comment: This sequence change replaces threonine, which is neutral and polar, with serine, which is neutral and polar, at codon 305 of the IRF7 protein (p.Thr305Ser). This variant is not present in population databases (gnomAD no frequency). This variant has not been reported in the literature in individuals affected with IRF7-related conditions. Invitae Evidence Modeling of protein sequence and biophysical properties (such as structural, functional, and spatial information, amino acid conservation, physicochemical variation, residue mobility, and thermodynamic stability) indicates that this missense variant is not expected to disrupt IRF7 protein function with a negative predictive value of 80%. In summary, the available evidence is currently insufficient to determine the role of this variant in disease. Therefore, it has been classified as a Variant of Uncertain Significance.